The following is an entry in ClinVar:

NM_001318852.2(MAPK8IP3):c.1396G>T (p.Ala466Ser)

Gene: MAPK8IP3 (mitogen-activated protein kinase 8 interacting protein 3; plus strand). Cytogenetic location: 16p13.3.
Variant type: single nucleotide variant.
Coding change: c.1396G>T on transcript NM_001318852.2 (MANE Select); coding-DNA position 1396, G replaced by T.
Protein change: p.Ala466Ser; replaces alanine 466 with serine.
Molecular consequence: missense variant.
Genome position (GRCh38, 1-based): chr16:1,760,471, G>T. VCF-style: chr16-1760471-G-T. GRCh37 (hg19) VCF-style: chr16-1810472-G-T.
Other names: c.1375G>T, p.Ala459Ser (NM_001040439.2); c.1393G>T, p.Ala465Ser (NM_015133.5); short protein forms A459S, A465S, A466S.
Identifiers: ClinVar variation 3775924 (VCV003775924.1).

ClinVar aggregate classification (germline): Uncertain significance (1 of 4 stars; one submission).

Conditions:
Neurodevelopmental disorder with or without variable brain abnormalities; NEDBA. Also called: NEURODEVELOPMENTAL DISORDER WITH OR WITHOUT VARIABLE BRAIN ABNORMALITIES. Identifiers: MedGen C5193102, MONDO:0032755, OMIM 618443.

gnomAD v4.1: 1 of 1,613,990 alleles (0.000062%); highest among the groups gnomAD compares: Non-Finnish European, 0.000085%; no homozygotes.

Submission:

3billion
Classification: Uncertain significance for Neurodevelopmental disorder with or without variable brain abnormalities; NEDBA. Last evaluated: 2023-10-17. Review status: criteria provided, single submitter. Criteria: ACMG Guidelines, 2015. Collection method: clinical testing. Allele origin: germline. Affected: yes.
Comment: The variant is not observed in the gnomAD v2.1.1 dataset. Predicted Consequence/Location: Missense variant Therefore, this variant is classified as VUS according to the recommendation of ACMG/AMP guideline.